The following is an entry in ClinVar:

NM_005199.5(CHRNG):c.805+1G>A

Gene: CHRNG (cholinergic receptor nicotinic gamma subunit; plus strand). Cytogenetic location: 2q37.1.
Variant type: single nucleotide variant.
Coding change: c.805+1G>A on transcript NM_005199.5 (MANE Select); the canonical splice donor site of the intron after coding-DNA position 805, G replaced by A.
Molecular consequence: splice donor variant.
Genome position (GRCh38, 1-based): chr2:232,543,083, G>A. VCF-style: chr2-232543083-G-A. GRCh37 (hg19) VCF-style: chr2-233407793-G-A.
Identifiers: ClinVar variation 2997713 (VCV002997713.5), dbSNP rs367938116, ClinGen allele CA2168792.

ClinVar aggregate classification (germline): Likely pathogenic. Review status: criteria provided, multiple submitters, no conflicts (2 of 4 stars). 3 submissions from 3 submitters: Likely pathogenic (3). Last evaluated 2024-10-13.

Conditions:
Autosomal recessive multiple pterygium syndrome. Also called: MULTIPLE PTERYGIUM SYNDROME, ESCOBAR VARIANT; PTERYGIUM COLLI SYNDROME; PTERYGIUM SYNDROME; PTERYGIUM UNIVERSALE. Identifiers: Orphanet 2990, MedGen C0265261, MONDO:0009926, OMIM 265000.
Lethal multiple pterygium syndrome (LMPS). Identifiers: Orphanet 33108, MedGen C1854678, MONDO:0009668, OMIM 253290.

Allele frequency attached by ClinVar (database versions not stated): ExAC 0.00001; gnomAD exomes 0.00001; TOPMed 0.00002; gnomAD 0.00003; ESP Exome Variant Server 0.00008.
gnomAD v4.1: 12 of 1,613,802 alleles (0.00074%); highest among the groups gnomAD compares: Non-Finnish European, 0.00085%; no homozygotes.

Submissions (3):

GeneDx
Classification: Likely pathogenic. Last evaluated: 2024-10-13. Review status: criteria provided, single submitter. Criteria: GeneDx Variant Classification Process June 2021. Collection method: clinical testing. Allele origin: germline. Affected: yes.
Comment: Canonical splice site variant predicted to result in an in-frame loss of the adjacent exon in a gene for which loss of function is a known mechanism of disease; Not observed at significant frequency in large population cohorts (gnomAD); This variant is associated with the following publications: (PMID: 34426522, 25957469)

Labcorp Genetics (formerly Invitae), Labcorp
Classification: Likely pathogenic. Last evaluated: 2024-02-07. Review status: criteria provided, single submitter. Criteria: Invitae Variant Classification Sherloc (09022015). Collection method: clinical testing. Allele origin: germline.
Comment: This sequence change affects a donor splice site in intron 7 of the CHRNG gene. It is expected to disrupt RNA splicing. Variants that disrupt the donor or acceptor splice site typically lead to a loss of protein function (PMID: 16199547), and loss-of-function variants in CHRNG are known to be pathogenic (PMID: 16826520). This variant is present in population databases (rs367938116, gnomAD 0.002%). Disruption of this splice site has been observed in individual(s) with multiple pterygium syndrome (PMID: 25957469). Algorithms developed to predict the effect of sequence changes on RNA splicing suggest that this variant may disrupt the consensus splice site. In summary, the currently available evidence indicates that the variant is pathogenic, but additional data are needed to prove that conclusively. Therefore, this variant has been classified as Likely Pathogenic.

Fulgent Genetics
Classification: Likely pathogenic for Lethal multiple pterygium syndrome; Autosomal recessive multiple pterygium syndrome. Last evaluated: 2024-02-01. Review status: criteria provided, single submitter. Criteria: ACMG Guidelines, 2015. Collection method: clinical testing. Allele origin: germline.

Literature cited by the submitters: PubMed 16199547 (cited by Labcorp Genetics (formerly Invitae), Labcorp); PubMed 16826520 (cited by Labcorp Genetics (formerly Invitae), Labcorp); PubMed 25957469 (cited by Labcorp Genetics (formerly Invitae), Labcorp).